The following is an entry in ClinVar:

ClinVar aggregate classification (germline): Uncertain significance. Review status: criteria provided, multiple submitters, no conflicts (2 of 4 stars). 2 submissions from 2 submitters: Uncertain significance (2). Last evaluated 2025-04-12.

Allele frequency attached by ClinVar (database versions not stated): TOPMed below 0.00001; ExAC 0.00001; gnomAD 0.00001; gnomAD exomes 0.00001.
gnomAD v4.1: 17 of 1,613,774 alleles (0.0011%); highest among the groups gnomAD compares: African/African-American, 0.0027%; no homozygotes.

Submissions (2):

Ambry Genetics
Classification: Uncertain significance. Last evaluated: 2025-04-12. Review status: criteria provided, single submitter. Criteria: Ambry Variant Classification Scheme 2023. Collection method: clinical testing. Allele origin: germline.

Labcorp Genetics (formerly Invitae), Labcorp
Classification: Uncertain significance. Last evaluated: 2024-08-12. Review status: criteria provided, single submitter. Criteria: Invitae Variant Classification Sherloc (09022015). Collection method: clinical testing. Allele origin: germline.
Comment: This sequence change replaces proline, which is neutral and non-polar, with leucine, which is neutral and non-polar, at codon 197 of the PLEKHG2 protein (p.Pro197Leu). This variant is present in population databases (rs766373299, gnomAD 0.003%). This variant has not been reported in the literature in individuals affected with PLEKHG2-related conditions. ClinVar contains an entry for this variant (Variation ID: 1424686). An algorithm developed to predict the effect of missense changes on protein structure and function (PolyPhen-2) suggests that this variant is likely to be disruptive. In summary, the available evidence is currently insufficient to determine the role of this variant in disease. Therefore, it has been classified as a Variant of Uncertain Significance.

NM_022835.3(PLEKHG2):c.590C>T (p.Pro197Leu)

Gene: PLEKHG2 (pleckstrin homology and RhoGEF domain containing G2; plus strand). Cytogenetic location: 19q13.2.
Variant type: single nucleotide variant.
Coding change: c.590C>T on transcript NM_022835.3 (MANE Select); coding-DNA position 590, C replaced by T.
Protein change: p.Pro197Leu; replaces proline 197 with leucine.
Molecular consequence: missense variant.
Genome position (GRCh38, 1-based): chr19:39,416,594, C>T. VCF-style: chr19-39416594-C-T. GRCh37 (hg19) VCF-style: chr19-39907234-C-T.
Other names: c.413C>T, p.Pro138Leu (NM_001351693.2); c.590C>T, p.Pro197Leu (NM_001351694.2); c.590C>T (NM_022835.2); short protein forms P138L, P197L.
Identifiers: ClinVar variation 1424686 (VCV001424686.9), dbSNP rs766373299, ClinGen allele CA9429167.